The following is an entry in ClinVar:

ClinVar aggregate classification (germline): Likely benign (1 of 4 stars; one submission).

Allele frequency attached by ClinVar (database versions not stated): gnomAD exomes below 0.00001.
gnomAD v4.1: 1 of 1,535,922 alleles (0.000065%); highest among the groups gnomAD compares: Non-Finnish European, 0.000087%; no homozygotes.

Submission:

CeGaT Center for Human Genetics Tuebingen
Classification: Likely benign. Last evaluated: 2022-10-01. Review status: criteria provided, single submitter. Criteria: CeGaT Center For Human Genetics Tuebingen Variant Classification Criteria Version 2. Collection method: clinical testing. Allele origin: germline. Affected: yes. Observed: 2 variant alleles.
Comment: MYRFL: PM2:Supporting, BP4, BP7

NM_182530.3(MYRFL):c.612C>T (p.Asn204=)

Gene: MYRFL (myelin regulatory factor like; plus strand). Cytogenetic location: 12q15.
Variant type: single nucleotide variant.
Coding change: c.612C>T on transcript NM_182530.3 (MANE Select); coding-DNA position 612, C replaced by T.
Protein change: p.Asn204=; no amino-acid change (asparagine 204 retained).
Molecular consequence: synonymous variant.
Genome position (GRCh38, 1-based): chr12:69,886,875, C>T. VCF-style: chr12-69886875-C-T. GRCh37 (hg19) VCF-style: chr12-70280655-C-T.
Identifiers: ClinVar variation 2643173 (VCV002643173.24), dbSNP rs1565997780, ClinGen allele CA480508967.
Genomic context (GRCh38, chr12:69,886,875, plus strand): 5'-TGCAGTGACAAGTAGGAGTCGCAGCAGTGAAGTCCAGGACCCTGACAGTGAGGGACAGAA[C>T]AGAATGCCTACAGACCAGTGCTCTCCTGCTCTGAAGTGGCAACCATGCCATAGTGTTCCT-3'
Protein context (NP_872336.2, residues 194-214): EVQDPDSEGQ[Asn204=]RMPTDQCSPA